The following is an entry in ClinVar:

ClinVar aggregate classification (germline): Uncertain significance (1 of 4 stars; one submission).

Conditions:
Primary ciliary dyskinesia. Also called: Ciliary dyskinesia. Identifiers: Orphanet 244, MedGen C0008780, MONDO:0016575, HP:0012265.

Allele frequency attached by ClinVar (database versions not stated): gnomAD exomes below 0.00001; ExAC 0.00001; gnomAD 0.00002; TOPMed 0.00004.
gnomAD v4.1: 6 of 1,613,892 alleles (0.00037%); highest among the groups gnomAD compares: African/African-American, 0.008%; no homozygotes.

Submission:

Labcorp Genetics (formerly Invitae), Labcorp
Classification: Uncertain significance for Primary ciliary dyskinesia. Last evaluated: 2024-02-17. Review status: criteria provided, single submitter. Criteria: Invitae Variant Classification Sherloc (09022015). Collection method: clinical testing. Allele origin: germline.
Comment: This sequence change falls in intron 3 of the CCDC40 gene. It does not directly change the encoded amino acid sequence of the CCDC40 protein. It affects a nucleotide within the consensus splice site. This variant is present in population databases (rs779799024, gnomAD 0.008%). This variant has not been reported in the literature in individuals affected with CCDC40-related conditions. ClinVar contains an entry for this variant (Variation ID: 1405034). Variants that disrupt the consensus splice site are a relatively common cause of aberrant splicing (PMID: 17576681, 9536098). Algorithms developed to predict the effect of sequence changes on RNA splicing suggest that this variant is not likely to affect RNA splicing. In summary, the available evidence is currently insufficient to determine the role of this variant in disease. Therefore, it has been classified as a Variant of Uncertain Significance.

Literature cited by the submitters: PubMed 17576681; PubMed 9536098.

NM_017950.4(CCDC40):c.553-3T>C

Gene: CCDC40 (coiled-coil domain 40 molecular ruler complex subunit; plus strand). Cytogenetic location: 17q25.3.
Variant type: single nucleotide variant.
Coding change: c.553-3T>C on transcript NM_017950.4 (MANE Select); 3 bases into the intron before coding-DNA position 553, T replaced by C.
Molecular consequence: intron variant.
Genome position (GRCh38, 1-based): chr17:80,047,276, T>C. VCF-style: chr17-80047276-T-C. GRCh37 (hg19) VCF-style: chr17-78021075-T-C.
Other names: c.553-3T>C (NM_001243342.2, NM_001330508.2).
Identifiers: ClinVar variation 1405034 (VCV001405034.6), dbSNP rs779799024, ClinGen allele CA8813490.